The following is an entry in ClinVar:

ClinVar aggregate classification (germline): Likely benign. Review status: criteria provided, multiple submitters, no conflicts (2 of 4 stars). 3 submissions from 3 submitters: Likely benign (3). Last evaluated 2024-11-14.

Conditions:
Hereditary cancer-predisposing syndrome. Also called: Neoplastic Syndromes, Hereditary; Hereditary neoplastic syndrome; Tumor predisposition; Hereditary Cancer Syndrome. Identifiers: Orphanet 140162, MedGen C0027672, MeSH D009386, MONDO:0015356.
Papillary renal cell carcinoma type 1 (RCCP1). Also called: RENAL CELL CARCINOMA, PAPILLARY, 1, SOMATIC; Renal adenocarcinoma; Renal cell carcinoma 1; Renal cell carcinoma, somatic. Identifiers: Orphanet 47044, MedGen C1336839, OMIM 605074, HP:0011797.
Renal cell carcinoma. Identifiers: Orphanet 217071, MedGen C0007134, MeSH D002292, MONDO:0005086, HP:0005584.

Allele frequency attached by ClinVar (database versions not stated): TOPMed 0.00002; gnomAD 0.00003.
gnomAD v4.1: 3 of 1,613,924 alleles (0.00019%); highest among the groups gnomAD compares: Non-Finnish European, 0.00025%; no homozygotes.

Submissions (3):

Myriad Genetics, Inc.
Classification: Likely benign for Papillary renal cell carcinoma type 1. Last evaluated: 2024-11-14. Review status: criteria provided, single submitter. Criteria: Myriad Autosomal Dominant, Autosomal Recessive and X-Linked Classification Criteria (2023). Collection method: clinical testing. Allele origin: unknown.
Comment: This variant is considered likely benign. This variant is intronic and is not expected to impact mRNA splicing.

Labcorp Genetics (formerly Invitae), Labcorp
Classification: Likely benign for Renal cell carcinoma. Last evaluated: 2024-03-06. Review status: criteria provided, single submitter. Criteria: Invitae Variant Classification Sherloc (09022015). Collection method: clinical testing. Allele origin: germline.

Ambry Genetics
Classification: Likely benign for Hereditary cancer-predisposing syndrome. Last evaluated: 2022-07-07. Review status: criteria provided, single submitter. Criteria: Ambry Variant Classification Scheme 2023. Collection method: clinical testing. Allele origin: germline.

NM_000245.4(MET):c.3633-4G>C

Gene: MET (MET proto-oncogene, receptor tyrosine kinase; plus strand). Cytogenetic location: 7q31.2.
Variant type: single nucleotide variant.
Coding change: c.3633-4G>C on transcript NM_000245.4 (MANE Select); 4 bases into the intron before coding-DNA position 3633, G replaced by C.
Molecular consequence: intron variant.
Genome position (GRCh38, 1-based): chr7:116,783,300, G>C. VCF-style: chr7-116783300-G-C. GRCh37 (hg19) VCF-style: chr7-116423354-G-C.
Other names: c.3687-4G>C (LRG_662t1, NM_001127500.3); c.2343-4G>C (NM_001324402.2).
Identifiers: ClinVar variation 524902 (VCV000524902.15), dbSNP rs1477354447, ClinGen allele CA577218048.